The following is an entry in ClinVar:

NM_005862.3(STAG1):c.1056A>T (p.Lys352Asn)

Gene: STAG1 (STAG1 cohesin complex component; minus strand). Cytogenetic location: 3q22.3.
Variant type: single nucleotide variant.
Coding change: c.1056A>T on transcript NM_005862.3 (MANE Select); coding-DNA position 1056, A replaced by T.
Protein change: p.Lys352Asn; replaces lysine 352 with asparagine.
Molecular consequence: missense variant.
Genome position (GRCh38, 1-based): chr3:136,473,608, T>A on the plus strand (A>T on the coding strand, the complement: STAG1 is on the minus strand). VCF-style: chr3-136473608-T-A. GRCh37 (hg19) VCF-style: chr3-136192450-T-A.
Other names: c.1056A>T (NM_005862.2); short protein forms K352N.
Identifiers: ClinVar variation 1098685 (VCV001098685.2), dbSNP rs2107814357, ClinGen allele CA354651977.

ClinVar aggregate classification (germline): Conflicting classifications of pathogenicity. Review status: criteria provided, conflicting classifications (1 of 4 stars). 2 submissions from 2 submitters: Uncertain significance (1); Likely benign (1). Last evaluated 2026-02-10.

Conditions:
Intellectual developmental disorder, autosomal dominant 47. Also called: MENTAL RETARDATION, AUTOSOMAL DOMINANT 47; Intellectual disability, autosomal dominant 47. Identifiers: Orphanet 502434, MedGen C4539951, MONDO:0030912, OMIM 617635.
Inborn genetic diseases. Identifiers: MedGen C0950123, MeSH D030342.

Submissions (2):

Ambry Genetics
Classification: Likely benign for Inborn genetic diseases. Last evaluated: 2026-02-10. Review status: criteria provided, single submitter. Criteria: Ambry Variant Classification Scheme 2023. Collection method: clinical testing. Allele origin: germline.

New York Genome Center
Classification: Uncertain significance for Intellectual developmental disorder, autosomal dominant 47. Last evaluated: 2020-06-25. Review status: criteria provided, single submitter. Criteria: NYGC Assertion Criteria 2020. Collection method: clinical testing. Allele origin: inherited. Observed: 1 heterozygote. Study: CSER-NYCKidSeq.
Comment: The inherited heterozygous p.Lys352Asn missense variant identified in the STAG1 gene is absent from the gnomAD(v3) database indicating it is an extremely rare allele in the general population. The variant affects an evolutionarily conserved residue. In silico tools provide conflicting interpretations about potential pathogenicity of this variant. Based on the available evidence, the inherited heterozygous p.Lys352Asn missense variant identified in the STAG1 gene is assessed as a variant of uncertain significance.